The following is an entry in ClinVar:

NM_022124.6(CDH23):c.5873T>C (p.Leu1958Pro)

Gene: CDH23 (cadherin related 23; plus strand). Cytogenetic location: 10q22.1.
Variant type: single nucleotide variant.
Coding change: c.5873T>C on transcript NM_022124.6 (MANE Select); coding-DNA position 5873, T replaced by C.
Protein change: p.Leu1958Pro; replaces leucine 1958 with proline.
Molecular consequence: missense variant.
Genome position (GRCh38, 1-based): chr10:71,788,992, T>C. VCF-style: chr10-71788992-T-C. GRCh37 (hg19) VCF-style: chr10-73548749-T-C.
Other names: short protein forms L1958P.
Identifiers: ClinVar variation 1305262 (VCV001305262.3), dbSNP rs2132945722, ClinGen allele CA377149617.

ClinVar aggregate classification (germline): Uncertain significance. Review status: criteria provided, multiple submitters, no conflicts (2 of 4 stars). 2 submissions from 2 submitters: Uncertain significance (2). Last evaluated 2025-08-25.

Submissions (2):

Labcorp Genetics (formerly Invitae), Labcorp
Classification: Uncertain significance. Last evaluated: 2025-08-25. Review status: criteria provided, single submitter. Criteria: Invitae Variant Classification Sherloc (09022015). Collection method: clinical testing. Allele origin: germline.
Comment: This sequence change replaces leucine, which is neutral and non-polar, with proline, which is neutral and non-polar, at codon 1958 of the CDH23 protein (p.Leu1958Pro). This variant is not present in population databases (gnomAD no frequency). This variant has not been reported in the literature in individuals affected with CDH23-related conditions. ClinVar contains an entry for this variant (Variation ID: 1305262). Invitae Evidence Modeling of protein sequence and biophysical properties (such as structural, functional, and spatial information, amino acid conservation, physicochemical variation, residue mobility, and thermodynamic stability) has been performed for this missense variant. However, the output from this modeling did not meet the statistical confidence thresholds required to predict the impact of this variant on CDH23 protein function. In summary, the available evidence is currently insufficient to determine the role of this variant in disease. Therefore, it has been classified as a Variant of Uncertain Significance.

GeneDx
Classification: Uncertain significance. Last evaluated: 2020-06-15. Review status: criteria provided, single submitter. Criteria: GeneDx Variant Classification Process June 2021. Collection method: clinical testing. Allele origin: germline. Affected: yes.
Comment: Has not been previously published as pathogenic or benign to our knowledge; In silico analysis supports that this missense variant does not alter protein structure/function; Not observed in large population cohorts (Lek et al., 2016)